The following is an entry in ClinVar:

NM_025137.4(SPG11):c.315del (p.Ala106fs)

Gene: SPG11 (SPG11 vesicle trafficking associated, spatacsin; minus strand). Cytogenetic location: 15q21.1.
Variant type: Deletion.
Coding change: c.315del on transcript NM_025137.4 (MANE Select); coding-DNA position 315, one base deleted (C; older notation c.315delC).
Protein change: p.Ala106fs; shifts the reading frame from alanine 106.
Molecular consequence: frameshift variant.
Genome position (GRCh38, 1-based): chr15:44,660,559, G deleted on the plus strand (C on the coding strand, the reverse complement: SPG11 is on the minus strand). VCF-style (leftmost placement, unchanged base first): chr15-44660558-CG-C. GRCh37 (hg19) VCF-style: chr15-44952756-CG-C.
Other names: c.315del, p.Ala106fs (NM_001160227.2); short protein forms A106fs.
Identifiers: ClinVar variation 813903 (VCV000813903.1), dbSNP rs1595940106, ClinGen allele CA915946656.

ClinVar aggregate classification (germline): Pathogenic (1 of 4 stars; one submission).

Conditions:
Hereditary spastic paraplegia 11. Also called: Spastic Paraplegia 11; Nakamura Osame syndrome; Autosomal recessive hereditary spastic paraplegia, mental impairment, and thin corpus callosum; Spastic paraplegia, mental retardation and thin corpus callosum; SPASTIC PARAPLEGIA, AUTOSOMAL RECESSIVE, COMPLICATED, WITH THIN CORPUS CALLOSUM; SPASTIC PARAPLEGIA, AUTOSOMAL RECESSIVE, WITH MENTAL IMPAIRMENT AND THIN CORPUS CALLOSUM. Identifiers: Orphanet 2822, MedGen C1858479, MONDO:0011445, OMIM 604360.

Submission:

Broad Center for Mendelian Genomics, Broad Institute of MIT and Harvard
Classification: Pathogenic for Hereditary spastic paraplegia 11. Last evaluated: 2018-12-03. Review status: criteria provided, single submitter. Criteria: ACMG Guidelines, 2015. Collection method: research. Allele origin: germline. Inheritance: Autosomal recessive inheritance. Affected: yes.
Comment: The heterozygous p.Ala106LeufsTer15 variant in SPG11 was identified by our study in the compound heterozygous state, along with a pathogenic variant, in two siblings with spastic paraplegia. The presence of this variant in combination with a pathogenic variant and in an individual with spastic paraplegia increases the likelihood that the p.Ala106LeufsTer15 variant is pathogenic. The p.Ala106LeufsTer15 variant in SPG11 has not been previously reported in individuals with spastic paraplegia and was absent from large population studies. This variant is predicted to cause a frameshift, which alters the protein's amino acid sequence beginning at position 106 and leads to a premature termination codon 15 amino acids downstream. This alteration is then predicted to lead to a truncated or absent protein. Loss of function of the SPG11 gene is an established disease mechanism in autosomal recessive spastic paraplegia. In summary, this variant meets criteria to be classified as pathogenic for SPG11 in an autosomal recessive manner based on the predicted impact of the variant and the presence of the variant in combination with another pathogenic variant in an individual with spastic paraplegia. ACMG/AMP Criteria applied: PM2, PVS1, PM3 (Richards 2015).